The following is an entry in ClinVar:

NC_000015.9:g.(40707682_40708276)_(40713508_?)del

Gene: IVD (isovaleryl-CoA dehydrogenase; plus strand). Cytogenetic location: 15q15.1.
Variant type: Deletion.
Identifiers: ClinVar variation 3768031 (VCV003768031.1).

ClinVar aggregate classification (germline): Pathogenic (1 of 4 stars; one submission).

Conditions:
Isovaleryl-CoA dehydrogenase deficiency (IVA). Also called: ISOVALERIC ACID CoA DEHYDROGENASE DEFICIENCY; Isovaleric acidemia; IVD DEFICIENCY; Classic Isovaleric Acidemia. Identifiers: Orphanet 33, MedGen C0268575, MONDO:0009475, OMIM 243500.

Submission:

Women's Health and Genetics/Laboratory Corporation of America, LabCorp
Classification: Pathogenic for Isovaleryl-CoA dehydrogenase deficiency. Last evaluated: 2024-12-16. Review status: criteria provided, single submitter. Criteria: LabCorp Variant Classification Summary - May 2015. Collection method: clinical testing. Allele origin: germline.
Comment: Variant summary: The variant involves the deletion of exons 10-12 in the IVD gene. A presumed nomenclature of c.(960+1_961-1)_(*3046_?)del has been designated for the purposes of this classification. The exact breakpoint at the distal 3' end of this variant is unknown, therefore this deletion may extend downstream of the annotated region of the gene. As it encompasses the termination codon, it is predicted to escape nonsense mediated decay (NMD). The variant allele was found at a frequency of 2.5e-05 in 120780 control chromosomes in the gnomAD database (Structural Variants v4.1 dataset). To our knowledge, no occurrence of c.(960+1_961-1)_(*3046_?)del in individuals affected with Isovaleryl-CoA Dehydrogenase Deficiency and no experimental evidence demonstrating its impact on protein function have been reported. However, several missense changes in the deleted region have been reported in affected individuals (HGMD), and were classified as Pathogenic in ClinVar, indicating the clinical importance of the disrupted protein region. ClinVar contains an entry for this variant (Variation ID: 832321). Based on the evidence outlined above, the variant was classified as pathogenic